The following is an entry in ClinVar:

NM_023067.4(FOXL2):c.223C>T (p.Leu75Phe)

Gene: FOXL2 (forkhead box L2; minus strand). Cytogenetic location: 3q22.3.
Variant type: single nucleotide variant.
Coding change: c.223C>T on transcript NM_023067.4 (MANE Select); coding-DNA position 223, C replaced by T.
Protein change: p.Leu75Phe; replaces leucine 75 with phenylalanine.
Molecular consequence: missense variant.
Genome position (GRCh38, 1-based): chr3:138,946,500, G>A on the plus strand (C>T on the coding strand, the complement: FOXL2 is on the minus strand). VCF-style: chr3-138946500-G-A. GRCh37 (hg19) VCF-style: chr3-138665342-G-A.
Other names: NM_023067.4:c.223C>T; c.223C>T (NM_023067.3); short protein forms L75F.
Identifiers: ClinVar variation 2734577 (VCV002734577.5), dbSNP rs2473815051, ClinGen allele CA354707252.
Genomic context (GRCh38, chr3:138,946,500, plus strand): 5'-TATTCTTCTCGTAGAACGGGAACTTCGCGATGATGTACTGGTAGATGCCGGACAGCGTGA[G>A]CCTCTTCTCCGCGCTCTCGCGGATCGCCATGGCGATGAGCGCCACGTACGAGTACGGGGG-3'
Protein context (NP_075555.1, residues 65-85): MAIRESAEKR[Leu75Phe]TLSGIYQYII

ClinVar aggregate classification (germline): Pathogenic. Review status: criteria provided, multiple submitters, no conflicts (2 of 4 stars). 3 submissions from 3 submitters: Pathogenic (3). Last evaluated 2024-12-05.

Conditions:
FOXL2-related disorder. Also called: FOXL2-related condition.
Blepharophimosis, ptosis, and epicanthus inversus syndrome. Identifiers: Orphanet 126, MedGen C0220663, MONDO:0007201, OMIM 110100.

Submissions (3):

PreventionGenetics, part of Exact Sciences
Classification: Pathogenic for FOXL2-related condition. Last evaluated: 2024-12-05. Review status: criteria provided, single submitter. Criteria: ACMG Guidelines, 2015. Collection method: clinical testing. Allele origin: germline.
Comment: The FOXL2 c.223C>T variant is predicted to result in the amino acid substitution p.Leu75Phe. This variant was reported in individuals with Blepharophimosis-ptosis-epicanthus inversus syndrome (Xue et al. 2015. PubMed ID: 26323275; Li et al. 2021. PubMed ID: 33796131). This variant has not been reported in a large population database (gnomAD), indicating this variant is rare. This variant is interpreted as pathogenic in ClinVar. This variant is interpreted as pathogenic.

Broad Center for Mendelian Genomics, Broad Institute of MIT and Harvard
Classification: Pathogenic for Blepharophimosis, ptosis, and epicanthus inversus syndrome. Last evaluated: 2024-03-12. Review status: criteria provided, single submitter. Criteria: ACMG Guidelines, 2015. Collection method: curation. Allele origin: germline. Inheritance: Autosomal dominant inheritance.
Comment: The p.Leu75Phe variant in FOXL2 has been previously reported in 3 unrelated individuals with blepharophimosis, ptosis, and epicanthus inversus syndrome (PMID: 33796131, PMID: 31366388, PMID: 26323275) and segregated with disease in 10 affected relatives from 3 families (PMID: 33796131, PMID: 31366388, PMID: 26323275). The number of reported affected individuals with this variant is slightly greater than expected compared to non-affected individuals with this variant. This variant was absent from large population studies. In vitro functional studies provide some evidence that the p.Leu75Phe variant may impact protein function (PMID: 33796131). However, these types of assays may not accurately represent biological function. The p.Leu75Phe variant is located in a region of FOXL2 that is essential to protein function, suggesting that this variant is in a functional domain and slightly supports pathogenicity (PMID: 18372316, PMID: 11175783). Computational prediction tools and conservation analyses suggest that this variant may impact the protein, though this information is not predictive enough to determine pathogenicity. In summary, this variant meets criteria to be classified as pathogenic for autosomal dominant blepharophimosis, ptosis, and epicanthus inversus syndrome. ACMG/AMP Criteria applied: PS3_Supporting, PS4_Moderate, PM1_Supporting, PM2_Supporting, PP1_Strong, PP3 (Richards 2015).

Labcorp Genetics (formerly Invitae), Labcorp
Classification: Pathogenic. Last evaluated: 2024-02-28. Review status: criteria provided, single submitter. Criteria: Invitae Variant Classification Sherloc (09022015). Collection method: clinical testing. Allele origin: germline.
Comment: This sequence change replaces leucine, which is neutral and non-polar, with phenylalanine, which is neutral and non-polar, at codon 75 of the FOXL2 protein (p.Leu75Phe). This variant is not present in population databases (gnomAD no frequency). This missense change has been observed in individual(s) with blepharophimosis-ptosis-epicanthus inversus syndrome (BPES) (PMID: 26323275, 31366388, 33796131). It has also been observed to segregate with disease in related individuals. An algorithm developed to predict the effect of missense changes on protein structure and function (PolyPhen-2) suggests that this variant is likely to be disruptive. For these reasons, this variant has been classified as Pathogenic.

Literature cited by the submitters: PubMed 33796131 (cited by Broad Center for Mendelian Genomics, Broad Institute of MIT and Harvard and Labcorp Genetics (formerly Invitae), Labcorp); PubMed 39033378 (cited by Broad Center for Mendelian Genomics, Broad Institute of MIT and Harvard); PubMed 26323275 (cited by Labcorp Genetics (formerly Invitae), Labcorp); PubMed 31366388 (cited by Labcorp Genetics (formerly Invitae), Labcorp).